The following is an entry in ClinVar:

ClinVar aggregate classification (germline): Uncertain significance (1 of 4 stars; one submission).

Submission:

Labcorp Genetics (formerly Invitae), Labcorp
Classification: Uncertain significance. Last evaluated: 2025-12-03. Review status: criteria provided, single submitter. Criteria: Invitae Variant Classification Sherloc (09022015). Collection method: clinical testing. Allele origin: germline.
Comment: This sequence change replaces proline, which is neutral and non-polar, with serine, which is neutral and polar, at codon 943 of the HYOU1 protein (p.Pro943Ser). This variant is not present in population databases (gnomAD no frequency). This variant has not been reported in the literature in individuals affected with HYOU1-related conditions. An algorithm developed to predict the effect of missense changes on protein structure and function (PolyPhen-2) suggests that this variant is likely to be tolerated. In summary, the available evidence is currently insufficient to determine the role of this variant in disease. Therefore, it has been classified as a Variant of Uncertain Significance.

NM_006389.5(HYOU1):c.2827C>T (p.Pro943Ser)

Gene: HYOU1 (hypoxia up-regulated 1; minus strand). Cytogenetic location: 11q23.3.
Variant type: single nucleotide variant.
Coding change: c.2827C>T on transcript NM_006389.5 (MANE Select); coding-DNA position 2827, C replaced by T.
Protein change: p.Pro943Ser; replaces proline 943 with serine.
Molecular consequence: missense variant.
Genome position (GRCh38, 1-based): chr11:119,046,571, G>A on the plus strand (C>T on the coding strand, the complement: HYOU1 is on the minus strand). VCF-style: chr11-119046571-G-A. GRCh37 (hg19) VCF-style: chr11-118917283-G-A.
Other names: c.2827C>T, p.Pro943Ser (NM_001130991.3, NM_001411041.1); short protein forms P943S.
Identifiers: ClinVar variation 4694953 (VCV004694953.1).